The following is an entry in ClinVar:

ClinVar aggregate classification (germline): Uncertain significance. Review status: criteria provided, multiple submitters, no conflicts (2 of 4 stars). 3 submissions from 3 submitters: Uncertain significance (3). Last evaluated 2025-05-27.

Conditions:
Brody myopathy. Also called: BRODY DISEASE. Identifiers: Orphanet 53347, MedGen C1832918, MONDO:0010977, OMIM 601003.

Allele frequency attached by ClinVar (database versions not stated): ExAC 0.00002; gnomAD exomes 0.00002 and 0.00004; gnomAD 0.00005 and 0.00006; TOPMed 0.00005; ESP Exome Variant Server 0.00015.
gnomAD v4.1: 63 of 1,614,088 alleles (0.0039%); highest among the groups gnomAD compares: African/African-American, 0.0067%; no homozygotes.

Submissions (3):

Mayo Clinic Laboratories, Mayo Clinic
Classification: Uncertain significance. Last evaluated: 2025-05-27. Review status: criteria provided, single submitter. Criteria: ACMG Guidelines, 2015. Collection method: clinical testing. Allele origin: germline. Observed: 1 variant allele.
Comment: PM2_supporting

Labcorp Genetics (formerly Invitae), Labcorp
Classification: Uncertain significance for Brody myopathy. Last evaluated: 2022-11-01. Review status: criteria provided, single submitter. Criteria: Invitae Variant Classification Sherloc (09022015). Collection method: clinical testing. Allele origin: germline.
Comment: This sequence change replaces arginine, which is basic and polar, with glutamine, which is neutral and polar, at codon 534 of the ATP2A1 protein (p.Arg534Gln). This variant is present in population databases (rs149334947, gnomAD 0.01%). This variant has not been reported in the literature in individuals affected with ATP2A1-related conditions. ClinVar contains an entry for this variant (Variation ID: 959983). Algorithms developed to predict the effect of missense changes on protein structure and function are either unavailable or do not agree on the potential impact of this missense change (SIFT: "Deleterious"; PolyPhen-2: "Benign"; Align-GVGD: "Class C0"). In summary, the available evidence is currently insufficient to determine the role of this variant in disease. Therefore, it has been classified as a Variant of Uncertain Significance.

Revvity Omics, Revvity
Classification: Uncertain significance for Brody myopathy. Last evaluated: 2022-05-31. Review status: criteria provided, single submitter. Criteria: ACMG Guidelines, 2015. Collection method: clinical testing. Allele origin: germline.

NM_004320.6(ATP2A1):c.1601G>A (p.Arg534Gln)

Gene: ATP2A1 (ATPase sarcoplasmic/endoplasmic reticulum Ca2+ transporting 1; plus strand). Cytogenetic location: 16p11.2.
Variant type: single nucleotide variant.
Coding change: c.1601G>A on transcript NM_004320.6 (MANE Select); coding-DNA position 1601, G replaced by A.
Protein change: p.Arg534Gln; replaces arginine 534 with glutamine.
Molecular consequence: missense variant.
Genome position (GRCh38, 1-based): chr16:28,898,288, G>A. VCF-style: chr16-28898288-G-A. GRCh37 (hg19) VCF-style: chr16-28909609-G-A.
Other names: p.Arg534Gln; c.1226G>A, p.Arg409Gln (NM_001286075.2); c.1601G>A, p.Arg534Gln (NM_173201.5); c.1601G>A (NM_173201.4); short protein forms R534Q, R409Q.
Identifiers: ClinVar variation 959983 (VCV000959983.8), dbSNP rs149334947, ClinGen allele CA7987033.